The following is an entry in ClinVar:

NM_001005242.3(PKP2):c.1556+140T>C

Gene: PKP2 (plakophilin 2; minus strand). Cytogenetic location: 12p11.21.
Variant type: single nucleotide variant.
Coding change: c.1556+140T>C on transcript NM_001005242.3 (MANE Select); 140 bases into the intron after coding-DNA position 1556, T replaced by C.
Molecular consequence: intron variant.
Genome position (GRCh38, 1-based): chr12:32,840,888, A>G on the plus strand (T>C on the coding strand, the complement: PKP2 is on the minus strand). VCF-style: chr12-32840888-A-G. GRCh37 (hg19) VCF-style: chr12-32993822-A-G.
Other names: c.1688+140T>C (NM_004572.4).
Identifiers: ClinVar variation 674301 (VCV000674301.1), dbSNP rs73303628, ClinGen allele CA13745279.
Genomic context (GRCh38, chr12:32,840,888, plus strand): 5'-CAGGTAGATCACTGTACTCCAGCCTGGGCAACAGAGCGAGACTCTGTTTTAAAAAAGATA[A>G]ATAAATAAATAAAATAAACAAACCATCAAACAAACTGTGTAACTAGAAAAGAACCAAAGG-3'

ClinVar aggregate classification (germline): Benign (1 of 4 stars; one submission).

Allele frequency attached by ClinVar (database versions not stated): gnomAD exomes 0.10371; 1000 Genomes Project 0.10923; 1000 Genomes Project 30x 0.11118; gnomAD 0.12838 and 0.13249; TOPMed 0.12994.
gnomAD v4.1: 76,168 of 698,936 alleles (11%); highest among the groups gnomAD compares: African/African-American, 21%; 4,696 homozygotes.

Submission:

GeneDx
Classification: Benign. Last evaluated: 2018-06-18. Review status: criteria provided, single submitter. Criteria: GeneDx Variant Classification (06012015). Collection method: clinical testing. Allele origin: germline. Affected: yes.
Comment: This variant is considered likely benign or benign based on one or more of the following criteria: it is a conservative change, it occurs at a poorly conserved position in the protein, it is predicted to be benign by multiple in silico algorithms, and/or has population frequency not consistent with disease.